The following is an entry in ClinVar:

NM_005876.5(SPEG):c.1498C>A (p.Arg500Ser)

Gene: SPEG (striated muscle enriched protein kinase; plus strand). Cytogenetic location: 2q35.
Variant type: single nucleotide variant.
Coding change: c.1498C>A on transcript NM_005876.5 (MANE Select); coding-DNA position 1498, C replaced by A.
Protein change: p.Arg500Ser; replaces arginine 500 with serine.
Molecular consequence: missense variant.
Genome position (GRCh38, 1-based): chr2:219,448,656, C>A. VCF-style: chr2-219448656-C-A. GRCh37 (hg19) VCF-style: chr2-220313378-C-A.
Other names: short protein forms R500S.
Identifiers: ClinVar variation 2805670 (VCV002805670.3), dbSNP rs965260434, ClinGen allele CA66004662.
Genomic context (GRCh38, chr2:219,448,656, plus strand): 5'-CGCACGCGTCAGCGCAGCCCGGCCTCAGACCTCGAGCTGCGCTTCGCCCAGGAGCTGGGC[C>A]GCATCCGCCGCTCCACGTCGCGGGAGGAGCTGGTGCGCTCGCACGAGTCCCTGCGCGCCA-3'
Protein context (NP_005867.3, residues 490-510): LELRFAQELG[Arg500Ser]IRRSTSREEL

ClinVar aggregate classification (germline): Uncertain significance (1 of 4 stars; one submission).

Allele frequency attached by ClinVar (database versions not stated): TOPMed 0.00001; gnomAD 0.00002.
gnomAD v4.1: 4 of 1,491,674 alleles (0.00027%); highest among the groups gnomAD compares: African/African-American, 0.0044%; no homozygotes.

Submission:

Labcorp Genetics (formerly Invitae), Labcorp
Classification: Uncertain significance. Last evaluated: 2023-06-14. Review status: criteria provided, single submitter. Criteria: Invitae Variant Classification Sherloc (09022015). Collection method: clinical testing. Allele origin: germline.
Comment: This variant is present in population databases (no rsID available, gnomAD 0.01%). In summary, the available evidence is currently insufficient to determine the role of this variant in disease. Therefore, it has been classified as a Variant of Uncertain Significance. An algorithm developed to predict the effect of missense changes on protein structure and function (PolyPhen-2) suggests that this variant is likely to be disruptive. This variant has not been reported in the literature in individuals affected with SPEG-related conditions. This sequence change replaces arginine, which is basic and polar, with serine, which is neutral and polar, at codon 500 of the SPEG protein (p.Arg500Ser).